The following is an entry in ClinVar:

NM_000540.3(RYR1):c.5674_5682del (p.Lys1892_Glu1894del)

Gene: RYR1 (ryanodine receptor 1; plus strand). Cytogenetic location: 19q13.2.
Variant type: Deletion.
Coding change: c.5674_5682del on transcript NM_000540.3 (MANE Select); coding-DNA positions 5674 to 5682, 9 bases deleted (AAGGAGGAG; older notation c.5674_5682delAAGGAGGAG).
Protein change: p.Lys1892_Glu1894del.
Genome position (GRCh38, 1-based): chr19:38,489,303-38,489,311, AAGGAGGAG deleted; deleting any 9 consecutive bases within chr19:38,489,295-38,489,311 gives the same sequence; the c. name uses the placement nearest the transcript's 3' end. VCF-style (leftmost placement, unchanged base first): chr19-38489294-GAGGAGGAGA-G. GRCh37 (hg19) VCF-style: chr19-38979934-GAGGAGGAGA-G.
Other names: c.5674_5682del, p.Lys1892_Glu1894del (NM_001042723.2).
Identifiers: ClinVar variation 4758445 (VCV004758445.1).
Genomic context (GRCh38, chr19:38,489,294, plus strand): 5'-GAGGTCTTCACTGAGGAAGAAGAGGAGGAGGACGAGGAGGAAGAGGGTGAAGAGGAAGAT[GAGGAGGAGA>G]AGGAGGAGGATGAGGAGGAAACAGCACAGGAAAAGGAAGATGAGGAAAAAGAGGAAGAGG-3'

ClinVar aggregate classification (germline): Uncertain significance (1 of 4 stars; one submission).

Conditions:
Malignant hyperthermia, susceptibility to, 1 (MHS1). Also called: RYR1-Related Malignant Hyperthermia Susceptibility; Malignant hyperthermia suceptibility 1; Anesthesia related hyperthermia; Malignant hyperpyrexia; Fulminating hyperpyrexia; Pharmacogenic myopathy. Identifiers: Orphanet 423, MedGen C2930980, MONDO:0007783, OMIM 145600.

Submission:

Color Diagnostics, LLC DBA Color Health
Classification: Uncertain significance for Malignant hyperthermia, susceptibility to, 1. Last evaluated: 2025-06-03. Review status: criteria provided, single submitter. Criteria: ACMG Guidelines, 2015. Collection method: clinical testing. Allele origin: germline.
Comment: This variant results in an in-frame deletion of 3 amino acids in the RYR1 protein. To our knowledge, functional studies have not been reported for this variant. This variant has not been reported in individuals affected with RYR1-related disorders in the literature. This variant has been identified in 1/247664 chromosomes in the general population by the Genome Aggregation Database (gnomAD). The available evidence is insufficient to determine the role of this variant in disease conclusively. Therefore, this variant is classified as a Variant of Uncertain Significance.